The following is an entry in ClinVar:

ClinVar aggregate classification (germline): Uncertain significance. Review status: criteria provided, multiple submitters, no conflicts (2 of 4 stars). 2 submissions from 2 submitters: Uncertain significance (2). Last evaluated 2025-10-22.

Conditions:
Charcot-Marie-Tooth disease type 2E (CMT2E). Also called: CHARCOT-MARIE-TOOTH NEUROPATHY, TYPE 2E; CHARCOT-MARIE-TOOTH DISEASE, AXONAL, TYPE 2E. Identifiers: Orphanet 99939, MedGen C1843225, MONDO:0011894, OMIM 607684.

Allele frequency attached by ClinVar (database versions not stated): gnomAD exomes below 0.00001; ExAC 0.00001.

Submissions (2):

Mayo Clinic Laboratories, Mayo Clinic
Classification: Uncertain significance. Last evaluated: 2025-10-22. Review status: criteria provided, single submitter. Criteria: ACMG Guidelines, 2015. Collection method: clinical testing. Allele origin: germline. Observed: 1 variant allele.

Labcorp Genetics (formerly Invitae), Labcorp
Classification: Uncertain significance for Charcot-Marie-Tooth disease type 2E. Last evaluated: 2019-12-13. Review status: criteria provided, single submitter. Criteria: Invitae Variant Classification Sherloc (09022015). Collection method: clinical testing. Allele origin: germline.
Comment: In summary, the available evidence is currently insufficient to determine the role of this variant in disease. Therefore, it has been classified as a Variant of Uncertain Significance. Algorithms developed to predict the effect of missense changes on protein structure and function are either unavailable or do not agree on the potential impact of this missense change (SIFT: "Deleterious"; PolyPhen-2: "Not Available"; Align-GVGD: "Class C35"). This variant has not been reported in the literature in individuals with NEFL-related conditions. This variant is present in population databases (rs758969477, ExAC 0.001%). This sequence change replaces arginine with glutamine at codon 367 of the NEFL protein (p.Arg367Gln). The arginine residue is highly conserved and there is a small physicochemical difference between arginine and glutamine.

NM_006158.5(NEFL):c.1100G>A (p.Arg367Gln)

Genes: NEFL (neurofilament light chain; minus strand), LOC126860330 (BRD4-independent group 4 enhancer GRCh37_chr8:24811677-24812876; plus strand). Cytogenetic location: 8p21.2.
Variant type: single nucleotide variant.
Coding change: c.1100G>A on transcript NM_006158.5 (MANE Select); coding-DNA position 1100, G replaced by A.
Protein change: p.Arg367Gln; replaces arginine 367 with glutamine.
Molecular consequence: missense variant.
Genome position (GRCh38, 1-based): chr8:24,954,250, C>T on the plus strand (G>A on the coding strand, the complement: NEFL is on the minus strand). VCF-style: chr8-24954250-C-T. GRCh37 (hg19) VCF-style: chr8-24811764-C-T.
Other names: p.Arg367Gln; short protein forms R367Q.
Identifiers: ClinVar variation 842075 (VCV000842075.6), dbSNP rs758969477, ClinGen allele CA4681346.